The following is an entry in ClinVar:

ClinVar aggregate classification (germline): Uncertain significance (1 of 4 stars; one submission).

Conditions:
Episodic ataxia type 2 (EA2). Also called: CEREBELLAR ATAXIA, PAROXYSMAL, ACETAZOLAMIDE-RESPONSIVE; CEREBELLOPATHY, HEREDITARY PAROXYSMAL; EPISODIC ATAXIA, NYSTAGMUS-ASSOCIATED; ACETAZOLAMIDE-RESPONSIVE HEREDITARY PAROXYSMAL CEREBELLAR ATAXIA; ATAXIA, EPISODIC, WITH NYSTAGMUS; ATAXIA, FAMILIAL PAROXYSMAL. Identifiers: Orphanet 97, MedGen C1720416, MONDO:0007163, OMIM 108500.
Developmental and epileptic encephalopathy, 42 (DEE42A). Also called: Epileptic encephalopathy, early infantile, 42; DEVELOPMENTAL AND EPILEPTIC ENCEPHALOPATHY 42A; EPILEPTIC ENCEPHALOPATHY, EARLY INFANTILE, 42A. Identifiers: MedGen C4310716, MONDO:0014917, OMIM 617106.

Allele frequency attached by ClinVar (database versions not stated): gnomAD exomes below 0.00001.

Submission:

Labcorp Genetics (formerly Invitae), Labcorp
Classification: Uncertain significance for Developmental and epileptic encephalopathy, 42; Episodic ataxia type 2. Last evaluated: 2023-02-26. Review status: criteria provided, single submitter. Criteria: Invitae Variant Classification Sherloc (09022015). Collection method: clinical testing. Allele origin: germline.
Comment: This variant is not present in population databases (gnomAD no frequency). This sequence change replaces glutamic acid, which is acidic and polar, with lysine, which is basic and polar, at codon 7 of the CACNA1A protein (p.Glu7Lys). This variant has not been reported in the literature in individuals affected with CACNA1A-related conditions. In summary, the available evidence is currently insufficient to determine the role of this variant in disease. Therefore, it has been classified as a Variant of Uncertain Significance. Advanced modeling of protein sequence and biophysical properties (such as structural, functional, and spatial information, amino acid conservation, physicochemical variation, residue mobility, and thermodynamic stability) has been performed at Invitae for this missense variant, however the output from this modeling did not meet the statistical confidence thresholds required to predict the impact of this variant on CACNA1A protein function.

NM_001127222.2(CACNA1A):c.19G>A (p.Glu7Lys)

Gene: CACNA1A (calcium voltage-gated channel subunit alpha1 A; minus strand). Cytogenetic location: 19p13.13.
Variant type: single nucleotide variant.
Coding change: c.19G>A on transcript NM_001127222.2 (MANE Select); coding-DNA position 19, G replaced by A.
Protein change: p.Glu7Lys; replaces glutamic acid 7 with lysine.
Molecular consequence: missense variant.
Genome position (GRCh38, 1-based): chr19:13,506,206, C>T on the plus strand (G>A on the coding strand, the complement: CACNA1A is on the minus strand). VCF-style: chr19-13506206-C-T. GRCh37 (hg19) VCF-style: chr19-13617020-C-T.
Other names: c.19G>A, p.Glu7Lys (NM_000068.4, NM_001127221.2, NM_001174080.2 and 1 more transcripts); short protein forms E7K.
Identifiers: ClinVar variation 2940256 (VCV002940256.3), dbSNP rs2513710370, ClinGen allele CA404971371.